The following is an entry in ClinVar:

NM_001184880.2(PCDH19):c.1227_1230del (p.Arg410fs)

Gene: PCDH19 (protocadherin 19; minus strand). Cytogenetic location: Xq22.1.
Variant type: Microsatellite.
Coding change: c.1227_1230del on transcript NM_001184880.2 (MANE Select); coding-DNA positions 1227 to 1230, 4 bases deleted (ACGG; older notation c.1227_1230delACGG).
Protein change: p.Arg410fs; shifts the reading frame from arginine 410.
Molecular consequence: frameshift variant.
Genome position (GRCh38, 1-based): chrX:100,407,368-100,407,371, CCGT deleted on the plus strand (ACGG on the coding strand, the reverse complement: PCDH19 is on the minus strand); deleting any 4 consecutive bases within chrX:100,407,368-100,407,377 gives the same sequence; the c. name uses the placement nearest the transcript's 3' end. VCF-style (leftmost placement, unchanged base first): chrX-100407367-GCCGT-G. GRCh37 (hg19) VCF-style: chrX-99662365-GCCGT-G.
Other names: c.1227_1230del, p.Arg410fs (NM_001105243.2, NM_020766.3); short protein forms R410fs.
Identifiers: ClinVar variation 4823285 (VCV004823285.4).

ClinVar aggregate classification (germline): Pathogenic (1 of 4 stars; one submission).

Submission:

CeGaT Center for Human Genetics Tuebingen
Classification: Pathogenic. Last evaluated: 2026-01-01. Review status: criteria provided, single submitter. Criteria: CeGaT Center For Human Genetics Tuebingen Variant Classification Criteria Version 2. Collection method: clinical testing. Allele origin: germline. Affected: yes. Observed: 1 variant allele.
Comment: PCDH19: PVS1, PM2